The following is an entry in ClinVar:

ClinVar aggregate classification (germline): Uncertain significance (1 of 4 stars; one submission).

Allele frequency attached by ClinVar (database versions not stated): TOPMed 0.00001.

Submission:

Labcorp Genetics (formerly Invitae), Labcorp
Classification: Uncertain significance. Last evaluated: 2023-11-17. Review status: criteria provided, single submitter. Criteria: Invitae Variant Classification Sherloc (09022015). Collection method: clinical testing. Allele origin: germline.
Comment: This sequence change replaces leucine, which is neutral and non-polar, with phenylalanine, which is neutral and non-polar, at codon 2602 of the SRCAP protein (p.Leu2602Phe). This variant is not present in population databases (gnomAD no frequency). This variant has not been reported in the literature in individuals affected with SRCAP-related conditions. Advanced modeling of protein sequence and biophysical properties (such as structural, functional, and spatial information, amino acid conservation, physicochemical variation, residue mobility, and thermodynamic stability) performed at Invitae indicates that this missense variant is not expected to disrupt SRCAP protein function with a negative predictive value of 80%. In summary, the available evidence is currently insufficient to determine the role of this variant in disease. Therefore, it has been classified as a Variant of Uncertain Significance.

NM_006662.3(SRCAP):c.7804C>T (p.Leu2602Phe)

Gene: SRCAP (Snf2 related CREBBP activator protein; plus strand). Cytogenetic location: 16p11.2.
Variant type: single nucleotide variant.
Coding change: c.7804C>T on transcript NM_006662.3 (MANE Select); coding-DNA position 7804, C replaced by T.
Protein change: p.Leu2602Phe; replaces leucine 2602 with phenylalanine.
Molecular consequence: missense variant.
Genome position (GRCh38, 1-based): chr16:30,737,844, C>T. VCF-style: chr16-30737844-C-T. GRCh37 (hg19) VCF-style: chr16-30749165-C-T.
Other names: short protein forms L2602F.
Identifiers: ClinVar variation 2696770 (VCV002696770.3), dbSNP rs1336947598, ClinGen allele CA395634645.